The following is an entry in ClinVar:

ClinVar aggregate classification (germline): Uncertain significance. Review status: criteria provided, single submitter (1 of 4 stars). 2 submissions from 2 submitters: Uncertain significance (1). 1 of the submissions does not count toward it. Last evaluated 2026-04-17.

Conditions:
Cohen syndrome (COH1). Also called: Cutis verticis gyrata, retinitis pigmentosa, and sensorineural deafness; PEPPER SYNDROME. Identifiers: Orphanet 193, MedGen C0265223, MONDO:0008999, OMIM 216550.

Allele frequency attached by ClinVar (database versions not stated): gnomAD exomes below 0.00001; ExAC 0.00001.
gnomAD v4.1: 4 of 1,613,830 alleles (0.00025%); highest among the groups gnomAD compares: Non-Finnish European, 0.00034%; no homozygotes.

Submissions (2):

GeneDx
Classification: Uncertain significance. Last evaluated: 2026-04-17. Review status: criteria provided, single submitter. Criteria: GeneDx Variant Classification Process June 2021. Collection method: clinical testing. Allele origin: germline.
Comment: Not observed at significant frequency in large population cohorts (gnomAD); Canonical splice site variant in a gene for which loss of function is not an established mechanism of disease; Has not been previously published as pathogenic or benign to our knowledge; Reported using an alternate transcript of the gene

Counsyl
Classification: Uncertain significance for Cohen syndrome. Last evaluated: 2018-02-13. Review status: no assertion criteria provided. Collection method: clinical testing. Allele origin: unknown. Not counted in ClinVar's aggregate classification.

NM_152564.5(VPS13B):c.4224+1G>C

Gene: VPS13B (vacuolar protein sorting 13 homolog B; plus strand). Cytogenetic location: 8q22.2.
Variant type: single nucleotide variant.
Coding change: c.4224+1G>C on transcript NM_152564.5 (MANE Select); the canonical splice donor site of the intron after coding-DNA position 4224, G replaced by C.
Molecular consequence: splice donor variant. On other transcripts: intron variant (1).
Genome position (GRCh38, 1-based): chr8:99,507,204, G>C. VCF-style: chr8-99507204-G-C. GRCh37 (hg19) VCF-style: chr8-100519432-G-C.
Other names: c.4158-566G>C (NM_017890.5).
Identifiers: ClinVar variation 556670 (VCV000556670.4), dbSNP rs376982982, ClinGen allele CA4823446.